The following is an entry in ClinVar:

ClinVar aggregate classification (germline): Pathogenic (1 of 4 stars; one submission).

Submission:

GeneDx
Classification: Pathogenic. Last evaluated: 2018-02-01. Review status: criteria provided, single submitter. Criteria: GeneDx Variant Classification (06012015). Collection method: clinical testing. Allele origin: germline. Affected: yes.
Comment: The c.1926_1927insAlu variant in the NSD1 gene has not been reported previously as a pathogenic variant, nor as a benign variant, to our knowledge. Mobile insertion elements, including retrotransposon-mediated events such as Alu inserts, are estimated to account for 1 in 600 disease causing variants (Kazazian et al., 2000). Additionally, Alu-mediated recombination leading to microdeletions of the NSD1 gene has been previously described in individuals with Sotos syndrome (Mochizuki et al., 2008). Therefore, we interpret c.1926_1927insAlu as a pathogenic variant.

NM_022455.4:c.1926_1927insAlu

Gene: NSD1 (nuclear receptor binding SET domain protein 1; plus strand). Cytogenetic location: 5q35.3.
Variant type: Insertion.
Identifiers: ClinVar variation 800738 (VCV000800738.1).